The following is an entry in ClinVar:

ClinVar aggregate classification (germline): Uncertain significance (1 of 4 stars; one submission).

Conditions:
Autosomal recessive severe congenital neutropenia due to CSF3R deficiency. Also called: Neutropenia, severe congenital, 7, autosomal recessive. Identifiers: Orphanet 420702, MedGen C4310764, MONDO:0014865, OMIM 617014.

gnomAD v4.1: 1 of 1,614,188 alleles (0.000062%); highest among the groups gnomAD compares: Non-Finnish European, 0.000085%; no homozygotes.

Submission:

Labcorp Genetics (formerly Invitae), Labcorp
Classification: Uncertain significance for Autosomal recessive severe congenital neutropenia due to CSF3R deficiency. Last evaluated: 2024-07-23. Review status: criteria provided, single submitter. Criteria: Invitae Variant Classification Sherloc (09022015). Collection method: clinical testing. Allele origin: germline.
Comment: This sequence change falls in intron 13 of the CSF3R gene. It does not directly change the encoded amino acid sequence of the CSF3R protein. It affects a nucleotide within the consensus splice site. This variant is not present in population databases (gnomAD no frequency). This variant has not been reported in the literature in individuals affected with CSF3R-related conditions. Variants that disrupt the consensus splice site are a relatively common cause of aberrant splicing (PMID: 17576681, 9536098). Algorithms developed to predict the effect of sequence changes on RNA splicing suggest that this variant may disrupt the consensus splice site. In summary, the available evidence is currently insufficient to determine the role of this variant in disease. Therefore, it has been classified as a Variant of Uncertain Significance.

Literature cited by the submitters: PubMed 17576681; PubMed 9536098.

NM_000760.4(CSF3R):c.1723+4A>G

Gene: CSF3R (colony stimulating factor 3 receptor; minus strand). Cytogenetic location: 1p34.3.
Variant type: single nucleotide variant.
Coding change: c.1723+4A>G on transcript NM_000760.4 (MANE Select); 4 bases into the intron after coding-DNA position 1723, A replaced by G.
Molecular consequence: intron variant.
Genome position (GRCh38, 1-based): chr1:36,468,071, T>C on the plus strand (A>G on the coding strand, the complement: CSF3R is on the minus strand). VCF-style: chr1-36468071-T-C. GRCh37 (hg19) VCF-style: chr1-36933672-T-C.
Other names: c.1723+4A>G (NM_156039.3, NM_172313.3).
Identifiers: ClinVar variation 3624838 (VCV003624838.2).